The following is an entry in ClinVar:

NM_016562.4(TLR7):c.1000A>G (p.Lys334Glu)

Gene: TLR7 (toll like receptor 7; plus strand). Cytogenetic location: Xp22.2.
Variant type: single nucleotide variant.
Coding change: c.1000A>G on transcript NM_016562.4 (MANE Select); coding-DNA position 1000, A replaced by G.
Protein change: p.Lys334Glu; replaces lysine 334 with glutamic acid.
Molecular consequence: missense variant.
Genome position (GRCh38, 1-based): chrX:12,886,508, A>G. VCF-style: chrX-12886508-A-G. GRCh37 (hg19) VCF-style: chrX-12904627-A-G.
Other names: short protein forms K334E.
Identifiers: ClinVar variation 2148410 (VCV002148410.4), dbSNP rs200463301, ClinGen allele CA10349985.
Genomic context (GRCh38, chrX:12,886,508, plus strand): 5'-AACAAACTCCAGGAACTGGATCTGTCCCAAAACTTCTTGGCCAAAGAAATTGGGGATGCT[A>G]AATTTCTGCATTTTCTCCCCAGCCTCATCCAATTGGATCTGTCTTTCAATTTTGAACTTC-3'
Protein context (NP_057646.1, residues 324-344): NFLAKEIGDA[Lys334Glu]FLHFLPSLIQ

ClinVar aggregate classification (germline): Uncertain significance (1 of 4 stars; one submission).

Allele frequency attached by ClinVar (database versions not stated): gnomAD exomes 0.00001; ExAC 0.00002; gnomAD 0.00002; TOPMed 0.00003.
gnomAD v4.1: 13 of 1,210,388 alleles (0.0011%); highest among the groups gnomAD compares: African/African-American, 0.0035%; no homozygotes.

Submission:

Labcorp Genetics (formerly Invitae), Labcorp
Classification: Uncertain significance. Last evaluated: 2025-01-29. Review status: criteria provided, single submitter. Criteria: Invitae Variant Classification Sherloc (09022015). Collection method: clinical testing. Allele origin: germline.
Comment: This sequence change replaces lysine, which is basic and polar, with glutamic acid, which is acidic and polar, at codon 334 of the TLR7 protein (p.Lys334Glu). This variant is present in population databases (rs200463301, gnomAD 0.007%). This variant has not been reported in the literature in individuals affected with TLR7-related conditions. ClinVar contains an entry for this variant (Variation ID: 2148410). An algorithm developed to predict the effect of missense changes on protein structure and function (PolyPhen-2) suggests that this variant is likely to be tolerated. Experimental studies have shown that this missense change affects TLR7 function (PMID: 34413140). In summary, the available evidence is currently insufficient to determine the role of this variant in disease. Therefore, it has been classified as a Variant of Uncertain Significance.

Literature cited by the submitters: PubMed 34413140.